The following is an entry in ClinVar:

ClinVar aggregate classification (germline): Conflicting classifications of pathogenicity. Review status: criteria provided, conflicting classifications (1 of 4 stars). 7 submissions from 7 submitters: Uncertain significance (2); Benign (2); Likely benign (3). Last evaluated 2025-12-28.

Conditions:
Autoinflammatory syndrome. Identifiers: Orphanet 93665, MedGen C3890737, MONDO:0019751.
Inborn genetic diseases. Identifiers: MedGen C0950123, MeSH D030342.
Pyogenic arthritis-pyoderma gangrenosum-acne syndrome (PAPA). Also called: PAPA SYNDROME; FAMILIAL RECURRENT ARTHRITIS. Identifiers: Orphanet 69126, MedGen C1858361, MONDO:0011462, OMIM 604416.

Allele frequency attached by ClinVar (database versions not stated): 1000 Genomes Project 30x 0.00203; 1000 Genomes Project 0.00240.
gnomAD v4.1: 238 of 1,611,332 alleles (0.015%); highest among the groups gnomAD compares: East Asian, 0.44%; no homozygotes.

Submissions (7):

Labcorp Genetics (formerly Invitae), Labcorp
Classification: Benign for Pyogenic arthritis-pyoderma gangrenosum-acne syndrome. Last evaluated: 2025-12-28. Review status: criteria provided, single submitter. Criteria: Invitae Variant Classification Sherloc (09022015). Collection method: clinical testing. Allele origin: germline.

Ambry Genetics
Classification: Uncertain significance for Inborn genetic diseases. Last evaluated: 2025-08-13. Review status: criteria provided, single submitter. Criteria: Ambry Variant Classification Scheme 2023. Collection method: clinical testing. Allele origin: germline.

Blueprint Genetics
Classification: Likely benign. Last evaluated: 2024-11-27. Review status: criteria provided, single submitter. Criteria: ACMG Guidelines, 2015. Collection method: clinical testing. Allele origin: germline.

ARUP Laboratories, Molecular Genetics and Genomics, ARUP Laboratories
Classification: Uncertain significance for Pyogenic arthritis-pyoderma gangrenosum-acne syndrome. Last evaluated: 2023-10-26. Review status: criteria provided, single submitter. Criteria: ARUP Molecular Germline Variant Investigation Process 2024. Collection method: clinical testing. Allele origin: germline.
Comment: The PSTPIP1 c.1221C>A, p.Phe407Leu variant (rs200363654), to our knowledge, is not reported in the medical literature or gene-specific databases. The variant is listed in the ClinVar database (Variation ID: 245930) and in the general population with an overall population frequency of 0.07% (198/276,714 alleles) in the Genome Aggregation Database. The amino acid at this position is moderately conserved and computational algorithms (PolyPhen-2, SIFT) predict this variant is tolerated. Due to limited information, the clinical significance of this variant cannot be determined.

Genome Diagnostics Laboratory, The Hospital for Sick Children
Classification: Likely benign for Autoinflammatory syndrome. Last evaluated: 2019-11-01. Review status: criteria provided, single submitter. Criteria: ACMG Guidelines, 2015. Collection method: clinical testing. Allele origin: germline. Affected: yes.

Illumina Laboratory Services, Illumina
Classification: Benign for Pyogenic arthritis-pyoderma gangrenosum-acne syndrome. Last evaluated: 2018-01-12. Review status: criteria provided, single submitter. Criteria: ICSL Variant Classification Criteria 13 December 2019. Collection method: clinical testing. Allele origin: germline.
Comment: This variant was observed in the ICSL laboratory as part of a predisposition screen in an ostensibly healthy population. It had not been previously curated by ICSL or reported in the Human Gene Mutation Database (HGMD: prior to June 1st, 2018), and was therefore a candidate for classification through an automated scoring system. Utilizing variant allele frequency, disease prevalence and penetrance estimates, and inheritance mode, an automated score was calculated to assess if this variant is too frequent to cause the disease. Based on the score and internal cut-off values, a variant classified as benign is not then subjected to further curation. The score for this variant resulted in a classification of benign for this disease.

GeneDx
Classification: Likely benign. Last evaluated: 2017-09-20. Review status: criteria provided, single submitter. Criteria: GeneDx Variant Classification (06012015). Collection method: clinical testing. Allele origin: germline. Affected: yes.
Comment: This variant is considered likely benign or benign based on one or more of the following criteria: it is a conservative change, it occurs at a poorly conserved position in the protein, it is predicted to be benign by multiple in silico algorithms, and/or has population frequency not consistent with disease.

NM_003978.5(PSTPIP1):c.1221C>A (p.Phe407Leu)

Gene: PSTPIP1 (proline-serine-threonine phosphatase interacting protein 1; plus strand). Cytogenetic location: 15q24.3.
Variant type: single nucleotide variant.
Coding change: c.1221C>A on transcript NM_003978.5 (MANE Select); coding-DNA position 1221, C replaced by A.
Protein change: p.Phe407Leu; replaces phenylalanine 407 with leucine.
Molecular consequence: missense variant. On other transcripts: non-coding transcript variant (1).
Genome position (GRCh38, 1-based): chr15:77,037,146, C>A. VCF-style: chr15-77037146-C-A. GRCh37 (hg19) VCF-style: chr15-77329487-C-A.
Other names: c.1164C>A, p.Phe388Leu (NM_001321135.2); c.1194C>A, p.Phe398Leu (NM_001321136.2); c.1416C>A, p.Phe472Leu (NM_001321137.1); short protein forms F407L, F388L, F398L, F472L.
Identifiers: ClinVar variation 245930 (VCV000245930.28), dbSNP rs200363654, ClinGen allele CA7676232.